The following is an entry in ClinVar:

ClinVar aggregate classification (germline): Uncertain significance. Review status: criteria provided, multiple submitters, no conflicts (2 of 4 stars). 2 submissions from 2 submitters: Uncertain significance (2). Last evaluated 2026-01-05.

Conditions:
Amyotrophic lateral sclerosis type 15. Also called: AMYOTROPHIC LATERAL SCLEROSIS 15 WITH FRONTOTEMPORAL DEMENTIA. Identifiers: Orphanet 803, MedGen C3275459, MONDO:0010459, OMIM 300857.

Submissions (2):

Labcorp Genetics (formerly Invitae), Labcorp
Classification: Uncertain significance for Amyotrophic lateral sclerosis type 15. Last evaluated: 2026-01-05. Review status: criteria provided, single submitter. Criteria: Invitae Variant Classification Sherloc (09022015). Collection method: clinical testing. Allele origin: germline.
Comment: This sequence change replaces proline, which is neutral and non-polar, with leucine, which is neutral and non-polar, at codon 323 of the UBQLN2 protein (p.Pro323Leu). This variant is not present in population databases (gnomAD no frequency). This variant has not been reported in the literature in individuals affected with UBQLN2-related conditions. ClinVar contains an entry for this variant (Variation ID: 539318). Invitae Evidence Modeling of protein sequence and biophysical properties (such as structural, functional, and spatial information, amino acid conservation, physicochemical variation, residue mobility, and thermodynamic stability) indicates that this missense variant is not expected to disrupt UBQLN2 protein function with a negative predictive value of 80%. In summary, the available evidence is currently insufficient to determine the role of this variant in disease. Therefore, it has been classified as a Variant of Uncertain Significance.

Ambry Genetics
Classification: Uncertain significance. Last evaluated: 2025-11-20. Review status: criteria provided, single submitter. Criteria: Ambry Variant Classification Scheme 2023. Collection method: clinical testing. Allele origin: germline.

NM_013444.4(UBQLN2):c.968C>T (p.Pro323Leu)

Gene: UBQLN2 (ubiquilin 2; plus strand). Cytogenetic location: Xp11.21.
Variant type: single nucleotide variant.
Coding change: c.968C>T on transcript NM_013444.4 (MANE Select); coding-DNA position 968, C replaced by T.
Protein change: p.Pro323Leu; replaces proline 323 with leucine.
Molecular consequence: missense variant.
Genome position (GRCh38, 1-based): chrX:56,564,841, C>T. VCF-style: chrX-56564841-C-T. GRCh37 (hg19) VCF-style: chrX-56591274-C-T.
Other names: short protein forms P323L.
Identifiers: ClinVar variation 539318 (VCV000539318.8), dbSNP rs1555977386, ClinGen allele CA413379548.
Genomic context (GRCh38, chrX:56,564,841, plus strand): 5'-AAGGTACGCAGCCTTCCCGCACAGAAAATCGCGATCCACTACCCAATCCATGGGCACCAC[C>T]GCCAGCTACCCAGAGTTCTGCAACTACCAGCACGACCACAAGCACTGGTAGTGGGTCTGG-3'
Protein context (NP_038472.2, residues 313-333): RDPLPNPWAP[Pro323Leu]PATQSSATTS